The following is an entry in ClinVar:

ClinVar aggregate classification (germline): Uncertain significance (1 of 4 stars; one submission).

Conditions:
Peroxisome biogenesis disorder 11A (Zellweger). Also called: Peroxisome biogenesis disorder 11A. Identifiers: Orphanet 912, MedGen C3554000, MONDO:0013949, OMIM 614883.

Submission:

Neuberg Centre For Genomic Medicine, NCGM
Classification: Uncertain significance for Peroxisome biogenesis disorder 11A (Zellweger). Last evaluated: 2023-05-20. Review status: criteria provided, single submitter. Criteria: ACMG Guidelines, 2015. Collection method: clinical testing. Allele origin: germline. Inheritance: Autosomal recessive inheritance. Affected: yes.
Comment: The missense variant c.996A>C (p.Lys332Asn) in the PEX13 gene has not been reported previously as a pathogenic variant nor as a benign variant, to our knowledge. This variant is absent in the gnomAD Exomes. The amino acid Lysine at position 332 is changed to a Asparagine changing protein sequence and it might alter its composition and physico-chemical properties. Multiple lines of computational evidence (Polyphen - Probably damaging, SIFT - Damaging and MutationTaster - Disease causing) predict a damaging effect on protein structure and function for this variant. The amino acid change p.Lys332Asn in PEX13 is predicted as conserved by GERP++ and PhyloP across 100 vertebrates. For these reasons, this variant has been classified as Uncertain Significance.

NM_002618.4(PEX13):c.996A>C (p.Lys332Asn)

Gene: PEX13 (peroxisomal biogenesis factor 13; plus strand). Cytogenetic location: 2p15.
Variant type: single nucleotide variant.
Coding change: c.996A>C on transcript NM_002618.4 (MANE Select); coding-DNA position 996, A replaced by C.
Protein change: p.Lys332Asn; replaces lysine 332 with asparagine.
Molecular consequence: missense variant.
Genome position (GRCh38, 1-based): chr2:61,048,554, A>C. VCF-style: chr2-61048554-A-C. GRCh37 (hg19) VCF-style: chr2-61275689-A-C.
Other names: short protein forms K332N.
Identifiers: ClinVar variation 3341471 (VCV003341471.1).